The following is an entry in ClinVar:

ClinVar aggregate classification (germline): Uncertain significance. Review status: criteria provided, multiple submitters, no conflicts (2 of 4 stars). 2 submissions from 2 submitters: Uncertain significance (2). Last evaluated 2024-08-24.

Conditions:
Inborn genetic diseases. Identifiers: MedGen C0950123, MeSH D030342.

Submissions (2):

Ambry Genetics
Classification: Uncertain significance for Inborn genetic diseases. Last evaluated: 2024-08-24. Review status: criteria provided, single submitter. Criteria: Ambry Variant Classification Scheme 2023. Collection method: clinical testing. Allele origin: germline.
Comment: The p.I563M variant (also known as c.1689T>G), located in coding exon 7 of the ATR gene, results from a T to G substitution at nucleotide position 1689. The isoleucine at codon 563 is replaced by methionine, an amino acid with highly similar properties. This amino acid position is conserved. In addition, the in silico prediction for this alteration is inconclusive. Since supporting evidence is limited at this time, the clinical significance of this alteration remains unclear.

Labcorp Genetics (formerly Invitae), Labcorp
Classification: Uncertain significance. Last evaluated: 2022-08-16. Review status: criteria provided, single submitter. Criteria: Invitae Variant Classification Sherloc (09022015). Collection method: clinical testing. Allele origin: germline.
Comment: This sequence change replaces isoleucine, which is neutral and non-polar, with methionine, which is neutral and non-polar, at codon 563 of the ATR protein (p.Ile563Met). This variant is not present in population databases (gnomAD no frequency). This variant has not been reported in the literature in individuals affected with ATR-related conditions. Algorithms developed to predict the effect of missense changes on protein structure and function are either unavailable or do not agree on the potential impact of this missense change (SIFT: "Tolerated"; PolyPhen-2: "Possibly Damaging"; Align-GVGD: "Class C0"). In summary, the available evidence is currently insufficient to determine the role of this variant in disease. Therefore, it has been classified as a Variant of Uncertain Significance.

NM_001184.4(ATR):c.1689T>G (p.Ile563Met)

Gene: ATR (ATR checkpoint kinase; minus strand). Cytogenetic location: 3q23.
Variant type: single nucleotide variant.
Coding change: c.1689T>G on transcript NM_001184.4 (MANE Select); coding-DNA position 1689, T replaced by G.
Protein change: p.Ile563Met; replaces isoleucine 563 with methionine.
Molecular consequence: missense variant.
Genome position (GRCh38, 1-based): chr3:142,559,294, A>C on the plus strand (T>G on the coding strand, the complement: ATR is on the minus strand). VCF-style: chr3-142559294-A-C. GRCh37 (hg19) VCF-style: chr3-142278136-A-C.
Other names: c.1497T>G, p.Ile499Met (NM_001354579.2); short protein forms I563M, I499M.
Identifiers: ClinVar variation 1778090 (VCV001778090.5), dbSNP rs2108479622, ClinGen allele CA354821934.
Genomic context (GRCh38, chr3:142,559,294, plus strand): 5'-TGCTAATTTGTACTCACCTTGCATATAAATCAAAGCATCATAAATTTTCACCACCTTATC[A>C]ATGGTTGCCTCCAGGTCCAGTTTCTGAACAGATTCTAACAAACTTCTACAGCTCTTAAGC-3'
Protein context (NP_001175.2, residues 553-573): SVQKLDLEAT[Ile563Met]DKVVKIYDAL